The following is an entry in ClinVar:

ClinVar aggregate classification (germline): Uncertain significance (1 of 4 stars; one submission).

Allele frequency attached by ClinVar (database versions not stated): TOPMed 0.00001; gnomAD exomes 0.00001; gnomAD 0.00001; ExAC 0.00002.
gnomAD v4.1: 16 of 1,613,492 alleles (0.00099%); highest among the groups gnomAD compares: African/African-American, 0.0013%; no homozygotes.

Submission:

Labcorp Genetics (formerly Invitae), Labcorp
Classification: Uncertain significance. Last evaluated: 2026-01-26. Review status: criteria provided, single submitter. Criteria: Invitae Variant Classification Sherloc (09022015). Collection method: clinical testing. Allele origin: germline.
Comment: This sequence change replaces threonine, which is neutral and polar, with methionine, which is neutral and non-polar, at codon 542 of the KMT2A protein (p.Thr542Met). This variant is present in population databases (rs782614654, gnomAD 0.002%). This variant has not been reported in the literature in individuals affected with KMT2A-related conditions. ClinVar contains an entry for this variant (Variation ID: 3015550). Invitae Evidence Modeling of protein sequence and biophysical properties (such as structural, functional, and spatial information, amino acid conservation, physicochemical variation, residue mobility, and thermodynamic stability) indicates that this missense variant is not expected to disrupt KMT2A protein function with a negative predictive value of 95%. In summary, the available evidence is currently insufficient to determine the role of this variant in disease. Therefore, it has been classified as a Variant of Uncertain Significance.

NM_001197104.2(KMT2A):c.1625C>T (p.Thr542Met)

Gene: KMT2A (lysine methyltransferase 2A; plus strand). Cytogenetic location: 11q23.3.
Variant type: single nucleotide variant.
Coding change: c.1625C>T on transcript NM_001197104.2 (MANE Select); coding-DNA position 1625, C replaced by T.
Protein change: p.Thr542Met; replaces threonine 542 with methionine.
Molecular consequence: missense variant.
Genome position (GRCh38, 1-based): chr11:118,472,784, C>T. VCF-style: chr11-118472784-C-T. GRCh37 (hg19) VCF-style: chr11-118343499-C-T.
Other names: c.1724C>T, p.Thr575Met (NM_001412597.1); c.1625C>T, p.Thr542Met (NM_005933.4); short protein forms T542M, T575M.
Identifiers: ClinVar variation 3015550 (VCV003015550.3), dbSNP rs782614654, ClinGen allele CA6303427.